The following is an entry in ClinVar:

ClinVar aggregate classification (germline): Benign/Likely benign. Review status: criteria provided, multiple submitters, no conflicts (2 of 4 stars). 3 submissions from 3 submitters: Benign (1); Likely benign (2). Last evaluated 2025-03-21.

Conditions:
Juvenile polyposis syndrome (JPS). Identifiers: Orphanet 2929, MedGen C0345893, MONDO:0017380, OMIM 174900.
Familial thoracic aortic aneurysm and aortic dissection (TAAD). Also called: Thoracic aortic aneurysms and dissections. Identifiers: Orphanet 91387, MedGen C4707243, MONDO:0019625.
Hereditary cancer-predisposing syndrome. Also called: Neoplastic Syndromes, Hereditary; Tumor predisposition; Hereditary Cancer Syndrome; Hereditary neoplastic syndrome. Identifiers: Orphanet 140162, MedGen C0027672, MeSH D009386, MONDO:0015356.
Juvenile polyposis/hereditary hemorrhagic telangiectasia syndrome (JPHT). Also called: Juvenile Polyposis Syndrome / Hereditary Hemorrhagic Telangiectasia (JPS/HHT); JP/HHT SYNDROME; JUVENILE POLYPOSIS WITH HEREDITARY HEMORRHAGIC TELANGIECTASIA; POLYPOSIS, GENERALIZED JUVENILE, WITH PULMONARY ARTERIOVENOUS MALFORMATION; TELANGIECTASIA, HEREDITARY HEMORRHAGIC, WITH JUVENILE POLYPOSIS COLI. Identifiers: Orphanet 2929, MedGen C1832942, MONDO:0008278, OMIM 175050.

Allele frequency attached by ClinVar (database versions not stated): gnomAD exomes below 0.00001.
gnomAD v4.1: 5 of 1,613,886 alleles (0.00031%); highest among the groups gnomAD compares: Non-Finnish European, 0.00042%; no homozygotes.

Submissions (3):

Myriad Genetics, Inc.
Classification: Benign for Juvenile polyposis/hereditary hemorrhagic telangiectasia syndrome. Last evaluated: 2025-03-21. Review status: criteria provided, single submitter. Criteria: Myriad Autosomal Dominant, Autosomal Recessive and X-Linked Classification Criteria (2023). Collection method: clinical testing. Allele origin: unknown.
Comment: This variant is considered benign. This variant is a silent/synonymous amino acid change and it is not expected to impact splicing.

Ambry Genetics
Classification: Likely benign for Hereditary cancer-predisposing syndrome; Familial thoracic aortic aneurysm and aortic dissection. Last evaluated: 2023-02-10. Review status: criteria provided, single submitter. Criteria: Ambry Variant Classification Scheme 2023. Collection method: clinical testing. Allele origin: germline.

Labcorp Genetics (formerly Invitae), Labcorp
Classification: Likely benign for Juvenile polyposis syndrome. Last evaluated: 2022-05-30. Review status: criteria provided, single submitter. Criteria: Invitae Variant Classification Sherloc (09022015). Collection method: clinical testing. Allele origin: germline.

NM_005359.6(SMAD4):c.1350G>A (p.Gln450=)

Gene: SMAD4 (SMAD family member 4; plus strand). Cytogenetic location: 18q21.2.
Variant type: single nucleotide variant.
Coding change: c.1350G>A on transcript NM_005359.6 (MANE Select); coding-DNA position 1350, G replaced by A.
Protein change: p.Gln450=; no amino-acid change (glutamine 450 retained).
Molecular consequence: synonymous variant.
Genome position (GRCh38, 1-based): chr18:51,076,679, G>A. VCF-style: chr18-51076679-G-A. GRCh37 (hg19) VCF-style: chr18-48603049-G-A.
Other names: c.1350G>A (NM_005359.5).
Identifiers: ClinVar variation 1633785 (VCV001633785.11), dbSNP rs751279659, ClinGen allele CA300087530.
Genomic context (GRCh38, chr18:51,076,679, plus strand): 5'-AAATGTTTTTTCTTAAAAGGTCTTTGATTTGCGTCAGTGTCATCGACAGATGCAGCAGCA[G>A]GCGGCTACTGCACAAGCTGCAGCAGCTGCCCAGGCAGCAGCCGTGGCAGGAAACATCCCT-3'
Protein context (NP_005350.1, residues 440-460): LRQCHRQMQQ[Gln450=]AATAQAAAAA